The following is an entry in ClinVar:

NM_020207.7(ERCC6L2):c.1921A>G (p.Met641Val)

Gene: ERCC6L2 (ERCC excision repair 6 like 2; plus strand). Cytogenetic location: 9q22.32.
Variant type: single nucleotide variant.
Coding change: c.1921A>G on transcript NM_020207.7 (MANE Select); coding-DNA position 1921, A replaced by G.
Protein change: p.Met641Val; replaces methionine 641 with valine.
Molecular consequence: missense variant. On other transcripts: non-coding transcript variant (1).
Genome position (GRCh38, 1-based): chr9:95,955,987, A>G. VCF-style: chr9-95955987-A-G. GRCh37 (hg19) VCF-style: chr9-98718269-A-G.
Other names: c.1921A>G, p.Met641Val (NM_001010895.4, NM_001375291.1, NM_001375292.1 and 2 more transcripts); short protein forms M641V.
Identifiers: ClinVar variation 4618705 (VCV004618705.1).

ClinVar aggregate classification (germline): Uncertain significance (1 of 4 stars; one submission).

Conditions:
Inborn genetic diseases. Identifiers: MedGen C0950123, MeSH D030342.

Submission:

Ambry Genetics
Classification: Uncertain significance for Inborn genetic diseases. Last evaluated: 2025-09-20. Review status: criteria provided, single submitter. Criteria: Ambry Variant Classification Scheme 2023. Collection method: clinical testing. Allele origin: germline.
Comment: The p.M641V variant (also known as c.1921A>G), located in coding exon 13 of the ERCC6L2 gene, results from an A to G substitution at nucleotide position 1921. The methionine at codon 641 is replaced by valine, an amino acid with highly similar properties. This amino acid position is conserved. In addition, the in silico prediction for this alteration is inconclusive. Based on the available evidence, the clinical significance of this variant remains unclear.